The following is an entry in ClinVar:

NM_019066.5(MAGEL2):c.2972T>A (p.Val991Glu)

Gene: MAGEL2 (MAGE family member L2; minus strand). Cytogenetic location: 15q11.2.
Variant type: single nucleotide variant.
Coding change: c.2972T>A on transcript NM_019066.5 (MANE Select); coding-DNA position 2972, T replaced by A.
Protein change: p.Val991Glu; replaces valine 991 with glutamic acid.
Molecular consequence: missense variant.
Genome position (GRCh38, 1-based): chr15:23,644,771, A>T on the plus strand (T>A on the coding strand, the complement: MAGEL2 is on the minus strand). VCF-style: chr15-23644771-A-T. GRCh37 (hg19) VCF-style: chr15-23889918-A-T.
Other names: short protein forms V991E.
Identifiers: ClinVar variation 3777598 (VCV003777598.2).
Genomic context (GRCh38, chr15:23,644,771, plus strand): 5'-TTGGAATTATCCTGGGTGGCACTGGATCCCGGAGAGACACTTGCGACCTCAGACACAACT[A>T]CGGGCAGAGAGCTCCCTGGGCTTTCAGAGAGACCCAGGGCCCTGGAGGTGCTCGGGCCCT-3'
Protein context (NP_061939.3, residues 981-1001): LSESPGSSLP[Val991Glu]VVSEVASVSP

ClinVar aggregate classification (germline): Uncertain significance (1 of 4 stars; one submission).

Submission:

GeneDx
Classification: Uncertain significance. Last evaluated: 2025-08-06. Review status: criteria provided, single submitter. Criteria: GeneDx Variant Classification Process June 2021. Collection method: clinical testing. Allele origin: germline.
Comment: Not observed at significant frequency in large population cohorts (gnomAD); In silico analysis suggests that this missense variant does not alter protein structure/function; Has not been previously published as pathogenic or benign to our knowledge